The following is an entry in ClinVar:

ClinVar aggregate classification (germline): Pathogenic. Review status: criteria provided, multiple submitters, no conflicts (2 of 4 stars). 3 submissions from 3 submitters: Pathogenic (3). Last evaluated 2025-04-08.

Conditions:
Congenital contractures of the limbs and face, hypotonia, and developmental delay (CLIFAHDD). Identifiers: Orphanet 562528, MedGen C4225398, MONDO:0014556, OMIM 616266.
Inborn genetic diseases. Identifiers: MedGen C0950123, MeSH D030342.
Hypotonia, infantile, with psychomotor retardation and characteristic facies 1 (INNFD). Identifiers: Orphanet 371364, Orphanet 700336, MedGen C3809454, MONDO:0024567, OMIM 615419.

Allele frequency attached by ClinVar (database versions not stated): gnomAD exomes below 0.00001 and 0.00001; ExAC 0.00001.
gnomAD v4.1: 10 of 1,614,082 alleles (0.00062%); highest among the groups gnomAD compares: Admixed American, 0.0017%; no homozygotes.

Submissions (3):

Ambry Genetics
Classification: Pathogenic for Inborn genetic diseases. Last evaluated: 2025-04-08. Review status: criteria provided, single submitter. Criteria: Ambry Variant Classification Scheme 2023. Collection method: clinical testing. Allele origin: germline.
Comment: The c.454C>T (p.R152*) alteration, located in exon 5 (coding exon 4) of the NALCN gene, consists of a C to T substitution at nucleotide position 454. This changes the amino acid from a arginine (R) to a stop codon at amino acid position 152. This alteration is expected to result in loss of function by premature protein truncation or nonsense-mediated mRNA decay. for autosomal recessive infantile hypotonia with psychomotor retardation and characteristic facies; however, its clinical significance for autosomal dominant congenital contractures of the limbs and face, hypotonia, and developmental delay is uncertain. Based on data from gnomAD, the T allele has an overall frequency of <0.001% (1/251386) total alleles studied. The highest observed frequency was 0.003% (1/34580) of Latino alleles. This variant has been identified in the homozygous state in an individual with features consistent with infantile hypotonia with psychomotor retardation and characteristic facies (AlAbdi, 2023). Based on the available evidence, this alteration is classified as pathogenic.

Women's Health and Genetics/Laboratory Corporation of America, LabCorp
Classification: Pathogenic for Congenital contractures of the limbs and face, hypotonia, and developmental delay. Last evaluated: 2023-05-24. Review status: criteria provided, single submitter. Criteria: LabCorp Variant Classification Summary - May 2015. Collection method: clinical testing. Allele origin: germline.
Comment: Variant summary: NALCN c.454C>T (p.Arg152X) results in a premature termination codon, predicted to cause a truncation of the encoded protein or absence of the protein due to nonsense mediated decay, which are commonly known mechanisms for disease. The variant allele was found at a frequency of 4e-06 in 251386 control chromosomes (gnomAD). To our knowledge, no occurrence of c.454C>T in individuals affected with Congenital Contractures Of The Limbs And Face, Hypotonia, And Developmental Delay and no experimental evidence demonstrating its impact on protein function have been reported. One ClinVar submitter has assessed the variant since 2014: the variant was classified as pathogenic. Based on the evidence outlined above, the variant was classified as pathogenic.

3billion
Classification: Pathogenic for Hypotonia, infantile, with psychomotor retardation and characteristic facies 1. Last evaluated: 2022-05-22. Review status: criteria provided, single submitter. Criteria: ACMG Guidelines, 2015. Collection method: clinical testing. Allele origin: germline. Affected: yes. Observed: 1 homozygote.
Comment: The variant is observed at an extremely low frequency in the gnomAD v2.1.1 dataset (total allele frequency: <0.001%). Stop-gained (nonsense): predicted to result in a loss or disruption of normal protein function through nonsense-mediated decay (NMD) or protein truncation. Multiple pathogenic variants are reported downstream of the variant. Patient's phenotype is considered compatible with Hypotonia, infantile, with psychomotor retardation and characteristic facies 1. Therefore, this variant is classified as pathogenic according to the recommendation of ACMG/AMP guideline.

Literature cited by the submitters: PubMed 37644014 (cited by Ambry Genetics).

NM_052867.4(NALCN):c.454C>T (p.Arg152Ter)

Gene: NALCN (sodium leak channel, non-selective; minus strand). Cytogenetic location: 13q33.1.
Variant type: single nucleotide variant.
Coding change: c.454C>T on transcript NM_052867.4 (MANE Select); coding-DNA position 454, C replaced by T.
Protein change: p.Arg152Ter; replaces arginine 152 with a stop codon.
Molecular consequence: nonsense.
Genome position (GRCh38, 1-based): chr13:101,376,978, G>A on the plus strand (C>T on the coding strand, the complement: NALCN is on the minus strand). VCF-style: chr13-101376978-G-A. GRCh37 (hg19) VCF-style: chr13-102029329-G-A.
Other names: c.454C>T, p.Arg152Ter (NM_001350748.2, NM_001350749.2, NM_001350750.2 and 1 more transcripts); c.454C>T (NM_052867.2); short protein forms R152*.
Identifiers: ClinVar variation 1687235 (VCV001687235.3), dbSNP rs774096141, ClinGen allele CA7036460.
Genomic context (GRCh38, chr13:101,376,978, plus strand): 5'-TTAAAATATTTGTAATTCTGGTCCTTGGCAGTTCAAATCGGAAATAAATCCGGAATGCTC[G>A]GATCATAATCAGTGGCCGTGGAATCCGCAACATGCCCCAAGGTGACATCTGATCAACTAT-3'